The following continues an entry in ClinVar:

NM_000169.3(GLA):c.902G>A (p.Arg301Gln)

ClinVar aggregate classification (germline): Pathogenic. Pathogenic (13).

Submissions 9 to 15 of 15:

Fulgent Genetics
Classification: Pathogenic for Fabry disease. Last evaluated: 2021-08-16. Review status: criteria provided, single submitter. Criteria: ACMG Guidelines, 2015. Collection method: clinical testing. Allele origin: unknown.

Genome-Nilou Lab
Classification: Pathogenic for Fabry disease. Last evaluated: 2021-07-15. Review status: criteria provided, single submitter. Criteria: ACMG Guidelines, 2015. Collection method: clinical testing. Allele origin: germline. Affected: no.

Eurofins Ntd Llc (ga)
Classification: Pathogenic. Last evaluated: 2017-06-06. Review status: criteria provided, single submitter. Criteria: EGL Classification Definitions 2015. Collection method: clinical testing. Allele origin: germline. Observed: 22 variant alleles, 13 heterozygotes, 9 hemizygotes.

Laboratory for Molecular Medicine, Mass General Brigham Personalized Medicine
Classification: Pathogenic for Fabry disease. Last evaluated: 2017-05-15. Review status: criteria provided, single submitter. Criteria: LMM Criteria. Collection method: clinical testing. Allele origin: germline. Inheritance: X-linked inheritance. Observed: 1 variant allele.
Comment: The p.Arg301Gln variant in GLA has been reported in at least 10 individuals with Fabry disease (Sakuraba 1990, Sawada 1996, Germain 1999, Ashton-Prolla 2000, Ge rmain 2002, Mills 2005, Lee 2010, Brady 2015, Pan 2016, Lenders 2016, Ayako 2017 ) and segregated with disease in 7 affected relatives from 3 families (Brady 201 5, Pan 2016, Saito 2017). It was absent from large population studies. Functiona l assays showed decreased alpha-Gal activity, consistent with classic Fabry dise ase (Shin 2007, Brady 2015, Pan 2016, Saito 2017). In summary, this variant meet s criteria to be classified as pathogenic for Fabry disease based upon segregati on studies, absence from controls, and functional evidence.

Molecular Diagnostic Laboratory for Inherited Cardiovascular Disease, Montreal Heart Institute
Classification: Pathogenic for Primary familial hypertrophic cardiomyopathy. Review status: criteria provided, single submitter. Criteria: ACMG Guidelines, 2015. Collection method: clinical testing. Allele origin: germline. Affected: yes.

OMIM
Classification: Pathogenic for FABRY DISEASE, CARDIAC VARIANT. Last evaluated: 2000-06-15. Review status: no assertion criteria provided. Collection method: literature only. Allele origin: germline. Not counted in ClinVar's aggregate classification.

OMIM
Classification: Pathogenic for FABRY DISEASE. Last evaluated: 2000-06-15. Review status: no assertion criteria provided. Collection method: literature only. Allele origin: germline. Not counted in ClinVar's aggregate classification.

Literature cited by the submitters: PubMed 30723321 (cited by Genomenon, Inc); PubMed 27560961 (cited by Genomenon, Inc and Laboratory for Molecular Medicine, Mass General Brigham Personalized Medicine); PubMed 30386727 (cited by Genomenon, Inc); PubMed 28736719 (cited by Genomenon, Inc); PubMed 33915609 (cited by Genomenon, Inc); PubMed 31654629 (cited by Genomenon, Inc); PubMed 18046674 (cited by Genomenon, Inc); PubMed 38002959 (cited by Genomenon, Inc); PubMed 30333391 (cited by Genomenon, Inc and Natera, Inc.); PubMed 30804731 (cited by 3 submitters); PubMed 29770213 (cited by Genomenon, Inc); PubMed 38372211 (cited by Genomenon, Inc); PubMed 16696095 (cited by Genomenon, Inc and Natera, Inc.); PubMed 35338595 (cited by Genomenon, Inc); PubMed 2171331 (cited by 5 submitters); PubMed 8738659 (cited by 3 submitters); PubMed 11688386 (cited by Labcorp Genetics (formerly Invitae), Labcorp); PubMed 15702404 (cited by Labcorp Genetics (formerly Invitae), Labcorp and Laboratory for Molecular Medicine, Mass General Brigham Personalized Medicine); PubMed 20505683 (cited by 3 submitters); PubMed 23378663 (cited by 3 submitters); PubMed 9395081 (cited by Labcorp Genetics (formerly Invitae), Labcorp and 3billion); PubMed 21598360 (cited by 3 submitters); PubMed 22241068 (cited by Labcorp Genetics (formerly Invitae), Labcorp and Laboratory for Molecular Medicine, Mass General Brigham Personalized Medicine); PubMed 11322659 (cited by Labcorp Genetics (formerly Invitae), Labcorp and 3billion); PubMed 38673884 (cited by Natera, Inc.); PubMed 33204599 (cited by Natera, Inc.); PubMed 31899485 (cited by Natera, Inc.); PubMed 27657681 (cited by 3billion); PubMed 23935525 (cited by 3 submitters); PubMed 19387866 (cited by 3billion); PubMed 17532296 (cited by 3 submitters); PubMed 18698230 (cited by 3billion); PubMed 12428061 (cited by Women's Health and Genetics/Laboratory Corporation of America, LabCorp and Laboratory for Molecular Medicine, Mass General Brigham Personalized Medicine); PubMed 10916280 (cited by Women's Health and Genetics/Laboratory Corporation of America, LabCorp and Laboratory for Molecular Medicine, Mass General Brigham Personalized Medicine); PubMed 10208848 (cited by Women's Health and Genetics/Laboratory Corporation of America, LabCorp and Laboratory for Molecular Medicine, Mass General Brigham Personalized Medicine); PubMed 24386359 (cited by Eurofins Ntd Llc (ga) and Laboratory for Molecular Medicine, Mass General Brigham Personalized Medicine); PubMed 10838196 (cited by Laboratory for Molecular Medicine, Mass General Brigham Personalized Medicine and OMIM); PubMed 9883849 (cited by Laboratory for Molecular Medicine, Mass General Brigham Personalized Medicine); PubMed 25382311 (cited by Laboratory for Molecular Medicine, Mass General Brigham Personalized Medicine); PubMed 27356758 (cited by Laboratory for Molecular Medicine, Mass General Brigham Personalized Medicine).